The following is an entry in ClinVar:

NM_001903.5(CTNNA1):c.2299-5T>C

Gene: CTNNA1 (catenin alpha 1; plus strand). Cytogenetic location: 5q31.2.
Variant type: single nucleotide variant.
Coding change: c.2299-5T>C on transcript NM_001903.5 (MANE Select); 5 bases into the intron before coding-DNA position 2299, T replaced by C.
Molecular consequence: intron variant.
Genome position (GRCh38, 1-based): chr5:138,932,573, T>C. VCF-style: chr5-138932573-T-C. GRCh37 (hg19) VCF-style: chr5-138268262-T-C.
Other names: c.2299-5T>C (NM_001323982.2, NM_001323984.2, NM_001290307.3 and 2 more transcripts); c.2206-5T>C (NM_001323986.2); c.1930-5T>C (NM_001290310.3); c.1990-5T>C (NM_001290309.3); c.1189-5T>C (NM_001323996.1, NM_001323993.1, NM_001324005.1 and 16 more transcripts); c.850-5T>C (NM_001324007.1, NM_001324009.1, NM_001324006.1 and 2 more transcripts); c.946-5T>C (NM_001324013.1, NM_001324012.1); c.1189-1229T>C (NM_001324001.1); and 1 more.
Identifiers: ClinVar variation 748084 (VCV000748084.14), dbSNP rs909425483, ClinGen allele CA128223856.

ClinVar aggregate classification (germline): Conflicting classifications of pathogenicity. Review status: criteria provided, conflicting classifications (1 of 4 stars). 3 submissions from 3 submitters: Uncertain significance (1); Likely benign (2). Last evaluated 2025-12-27.

Conditions:
Hereditary cancer-predisposing syndrome. Also called: Tumor predisposition; Hereditary Cancer Syndrome; Neoplastic Syndromes, Hereditary; Hereditary neoplastic syndrome. Identifiers: Orphanet 140162, MedGen C0027672, MeSH D009386, MONDO:0015356.
Hereditary diffuse gastric adenocarcinoma (HDGC). Also called: DIFFUSE GASTRIC AND LOBULAR BREAST CANCER SYNDROME. Identifiers: Orphanet 26106, MedGen C1708349, MONDO:0007648, OMIM 137215.

Allele frequency attached by ClinVar (database versions not stated): gnomAD exomes below 0.00001; gnomAD 0.00003 and 0.00004; TOPMed 0.00003.
gnomAD v4.1: 7 of 1,613,930 alleles (0.00043%); highest among the groups gnomAD compares: Admixed American, 0.0067%; no homozygotes.

Submissions (3):

Labcorp Genetics (formerly Invitae), Labcorp
Classification: Likely benign. Last evaluated: 2025-12-27. Review status: criteria provided, single submitter. Criteria: Invitae Variant Classification Sherloc (09022015). Collection method: clinical testing. Allele origin: germline.

Myriad Genetics, Inc.
Classification: Likely benign for Hereditary diffuse gastric adenocarcinoma. Last evaluated: 2024-10-15. Review status: criteria provided, single submitter. Criteria: Myriad Autosomal Dominant, Autosomal Recessive and X-Linked Classification Criteria (2023). Collection method: clinical testing. Allele origin: unknown.
Comment: This variant is considered likely benign. This variant is intronic and is not expected to impact mRNA splicing.

Ambry Genetics
Classification: Uncertain significance for Hereditary cancer-predisposing syndrome. Last evaluated: 2024-01-19. Review status: criteria provided, single submitter. Criteria: Ambry Variant Classification Scheme 2023. Collection method: clinical testing. Allele origin: germline.
Comment: The c.2299-5T>C intronic variant results from a T to C substitution 5 nucleotides upstream from coding exon 16 in the CTNNA1 gene. This nucleotide position is not well conserved in available vertebrate species. In silico splice site analysis predicts that this alteration will not have any significant effect on splicing. The evidence for this gene-disease relationship is limited; therefore, the clinical significance of this alteration is unclear.